The following is an entry in ClinVar:

NM_032243.6(TXNDC2):c.1134G>A (p.Pro378=)

Gene: TXNDC2 (thioredoxin domain containing 2; plus strand). Cytogenetic location: 18p11.22.
Variant type: single nucleotide variant.
Coding change: c.1134G>A on transcript NM_032243.6 (MANE Select); coding-DNA position 1134, G replaced by A.
Protein change: p.Pro378=; no amino-acid change (proline 378 retained).
Molecular consequence: synonymous variant.
Genome position (GRCh38, 1-based): chr18:9,887,814, G>A. VCF-style: chr18-9887814-G-A. GRCh37 (hg19) VCF-style: chr18-9887811-G-A.
Other names: c.1335G>A, p.Pro445= (NM_001098529.2); c.1134G>A, p.Pro378= (NM_001098530.1).
Identifiers: ClinVar variation 2648579 (VCV002648579.24), dbSNP rs376795653, ClinGen allele CA8890494.

ClinVar aggregate classification (germline): Likely benign (1 of 4 stars; one submission).

Allele frequency attached by ClinVar (database versions not stated): gnomAD 0.00005; gnomAD exomes 0.00005; ESP Exome Variant Server 0.00008; TOPMed 0.00009; ExAC 0.00012.

Submission:

CeGaT Center for Human Genetics Tuebingen
Classification: Likely benign. Last evaluated: 2022-07-01. Review status: criteria provided, single submitter. Criteria: CeGaT Center For Human Genetics Tuebingen Variant Classification Criteria Version 2. Collection method: clinical testing. Allele origin: germline. Affected: yes. Observed: 1 variant allele.
Comment: TXNDC2: BP4, BP7